The following is an entry in ClinVar:

ClinVar aggregate classification (germline): Uncertain significance (1 of 4 stars; one submission).

Conditions:
Idiopathic generalized epilepsy. Also called: Generalised epilepsy; EIG. Identifiers: MedGen C0270850, MONDO:0005579, OMIM 600669.

Submission:

Labcorp Genetics (formerly Invitae), Labcorp
Classification: Uncertain significance for Idiopathic generalized epilepsy. Last evaluated: 2022-07-06. Review status: criteria provided, single submitter. Criteria: Invitae Variant Classification Sherloc (09022015). Collection method: clinical testing. Allele origin: germline.
Comment: In summary, the available evidence is currently insufficient to determine the role of this variant in disease. Therefore, it has been classified as a Variant of Uncertain Significance. This sequence change replaces alanine, which is neutral and non-polar, with threonine, which is neutral and polar, at codon 335 of the RBFOX1 protein (p.Ala335Thr). This variant is not present in population databases (gnomAD no frequency). This variant has not been reported in the literature in individuals affected with RBFOX1-related conditions. Algorithms developed to predict the effect of missense changes on protein structure and function are either unavailable or do not agree on the potential impact of this missense change (SIFT: "Tolerated"; PolyPhen-2: "Probably Damaging"; Align-GVGD: "Class C0").

NM_018723.4(RBFOX1):c.940G>A (p.Ala314Thr)

Gene: RBFOX1 (RNA binding fox-1 homolog 1; plus strand). Cytogenetic location: 16p13.3.
Variant type: single nucleotide variant.
Coding change: c.940G>A on transcript NM_018723.4 (MANE Select); coding-DNA position 940, G replaced by A.
Protein change: p.Ala314Thr; replaces alanine 314 with threonine.
Molecular consequence: missense variant.
Genome position (GRCh38, 1-based): chr16:7,676,783, G>A. VCF-style: chr16-7676783-G-A. GRCh37 (hg19) VCF-style: chr16-7726785-G-A.
Other names: c.859G>A, p.Ala287Thr (NM_001142333.2); c.940G>A, p.Ala314Thr (NM_001142334.2, NM_001364800.2); c.1069G>A, p.Ala357Thr (NM_001308117.1, NM_001411047.1, NM_001415891.1 and 1 more transcripts); c.1537G>A, p.Ala513Thr (NM_001415887.1); c.1456G>A, p.Ala486Thr (NM_001415888.1); c.1048G>A, p.Ala350Thr (NM_001415889.1, NM_001415892.1, NM_001415894.1 and 1 more transcripts); c.1015G>A, p.Ala339Thr (NM_001415890.1, NM_001415893.1, NM_001415899.1 and 1 more transcripts); c.1000G>A, p.Ala334Thr (NM_001415896.1, NM_001415904.1); and 13 more; short protein forms A307T, A312T, A330T, A357T, A513T, A308T, A486T, A287T.
Identifiers: ClinVar variation 1915582 (VCV001915582.5), dbSNP rs768548714, ClinGen allele CA394683986.